The following is an entry in ClinVar:

ClinVar aggregate classification (germline): Uncertain significance (1 of 4 stars; one submission).

Submission:

Labcorp Genetics (formerly Invitae), Labcorp
Classification: Uncertain significance. Last evaluated: 2025-05-08. Review status: criteria provided, single submitter. Criteria: Invitae Variant Classification Sherloc (09022015). Collection method: clinical testing. Allele origin: germline.
Comment: This sequence change replaces serine, which is neutral and polar, with threonine, which is neutral and polar, at codon 1634 of the DSCAML1 protein (p.Ser1634Thr). This variant is not present in population databases (gnomAD no frequency). This variant has not been reported in the literature in individuals affected with DSCAML1-related conditions. ClinVar contains an entry for this variant (Variation ID: 1917492). An algorithm developed to predict the effect of missense changes on protein structure and function (PolyPhen-2) suggests that this variant is likely to be disruptive. In summary, the available evidence is currently insufficient to determine the role of this variant in disease. Therefore, it has been classified as a Variant of Uncertain Significance.

NM_020693.4(DSCAML1):c.4721G>C (p.Ser1574Thr)

Gene: DSCAML1 (DS cell adhesion molecule like 1; minus strand). Cytogenetic location: 11q23.3.
Variant type: single nucleotide variant.
Coding change: c.4721G>C on transcript NM_020693.4 (MANE Select); coding-DNA position 4721, G replaced by C.
Protein change: p.Ser1574Thr; replaces serine 1574 with threonine.
Molecular consequence: missense variant.
Genome position (GRCh38, 1-based): chr11:117,435,799, C>G on the plus strand (G>C on the coding strand, the complement: DSCAML1 is on the minus strand). VCF-style: chr11-117435799-C-G. GRCh37 (hg19) VCF-style: chr11-117306515-C-G.
Other names: short protein forms S1574T.
Identifiers: ClinVar variation 1917492 (VCV001917492.5), dbSNP rs2047904011, ClinGen allele CA382757353.